The following is an entry in ClinVar:

ClinVar aggregate classification (germline): Conflicting classifications of pathogenicity. Review status: criteria provided, conflicting classifications (1 of 4 stars). 3 submissions from 3 submitters: Likely pathogenic (1); Uncertain significance (2). Last evaluated 2026-01-29.

Conditions:
Cockayne syndrome type 1. Also called: Cockayne syndrome type I; Cockayne syndrome classical; Cockayne syndrome classic form. Identifiers: Orphanet 191, Orphanet 90321, MedGen C0751039, MONDO:0019569, OMIM 216400.

Allele frequency attached by ClinVar (database versions not stated): gnomAD exomes below 0.00001.

Submissions (3):

Myriad Genetics, Inc.
Classification: Uncertain significance for Cockayne syndrome type 1. Last evaluated: 2026-01-29. Review status: criteria provided, single submitter. Criteria: Myriad Autosomal Dominant, Autosomal Recessive and X-Linked Classification Criteria (2023). Collection method: clinical testing. Allele origin: unknown.
Comment: NM_000082.3(ERCC8):c.523T>C(S175P) is a missense variant classified as a variant of uncertain significance in the context of ERCC8-related disorders. S175P has been observed in a case with relevant disease (PMID: 37012327). Relevant functional assessments of this variant are not available in the literature. S175P has not been observed in referenced population frequency databases. In summary, there is insufficient evidence to classify NM_000082.3(ERCC8):c.523T>C(S175P) as pathogenic or benign. Please note: this variant was assessed in the context of healthy population screening.

3billion
Classification: Uncertain significance for Cockayne syndrome type 1. Last evaluated: 2024-12-26. Review status: criteria provided, single submitter. Criteria: ACMG Guidelines, 2015. Collection method: clinical testing. Allele origin: germline. Affected: yes.
Comment: The variant is observed at an extremely low frequency in the gnomAD v4.1.0 dataset (total allele frequency: <0.001%). Predicted Consequence/Location: Missense variant. The majority of the known disease-causing variants of this gene are variants expected to result in premature termination of the protein. In silico tool predictions suggest damaging effect of the variant on gene or gene product [REVEL: 0.83 (>=0.6, sensitivity 0.68 and specificity 0.92); 3Cnet: 0.98 (>=0.6, sensitivity 0.72 and precision 0.9)]. The same nucleotide change resulting in the same amino acid change has been previously reported to be associated with ERCC8-related disorder (ClinVar ID: VCV001705925). However, the evidence of pathogenicity is insufficient at this time. Therefore, this variant is classified as VUS according to the recommendation of ACMG/AMP guideline.

Department of Biochemistry, Faculty of Medicine, University of Khartoum
Classification: Likely pathogenic for Cockayne syndrome type 1. Review status: criteria provided, single submitter. Criteria: ACMG Guidelines, 2015. Collection method: research. Allele origin: inherited. Affected: yes. Observed: 3 variant alleles.

Literature cited by the submitters: PubMed 37012327 (cited by Myriad Genetics, Inc.).

NM_000082.4(ERCC8):c.523T>C (p.Ser175Pro)

Gene: ERCC8 (ERCC excision repair 8, CSA ubiquitin ligase complex subunit; minus strand). Cytogenetic location: 5q12.1.
Variant type: single nucleotide variant.
Coding change: c.523T>C on transcript NM_000082.4 (MANE Select); coding-DNA position 523, T replaced by C.
Protein change: p.Ser175Pro; replaces serine 175 with proline.
Molecular consequence: missense variant.
Genome position (GRCh38, 1-based): chr5:60,903,675, A>G on the plus strand (T>C on the coding strand, the complement: ERCC8 is on the minus strand). VCF-style: chr5-60903675-A-G. GRCh37 (hg19) VCF-style: chr5-60199502-A-G.
Other names: c.349T>C, p.Ser117Pro (NM_001007233.3); c.523T>C, p.Ser175Pro (NM_001007234.3); c.64T>C, p.Ser22Pro (NM_001290285.2); short protein forms S117P, S175P, S22P.
Identifiers: ClinVar variation 1705925 (VCV001705925.3), dbSNP rs2531798461, ClinGen allele CA359826782.